The following is an entry in ClinVar:

ClinVar aggregate classification (germline): Uncertain significance (1 of 4 stars; one submission).

Allele frequency attached by ClinVar (database versions not stated): gnomAD 0.00002; 1000 Genomes Project 30x 0.00016; TOPMed 0.00003; 1000 Genomes Project 0.00020.
gnomAD v4.1: 30 of 1,367,444 alleles (0.0022%); highest among the groups gnomAD compares: Admixed American, 0.015%; no homozygotes.

Submission:

Labcorp Genetics (formerly Invitae), Labcorp
Classification: Uncertain significance. Last evaluated: 2023-11-10. Review status: criteria provided, single submitter. Criteria: Invitae Variant Classification Sherloc (09022015). Collection method: clinical testing. Allele origin: germline.
Comment: This sequence change replaces isoleucine, which is neutral and non-polar, with serine, which is neutral and polar, at codon 1492 of the ERCC6L2 protein (p.Ile1492Ser). This variant is present in population databases (rs190491189, gnomAD 0.03%). This variant has not been reported in the literature in individuals affected with ERCC6L2-related conditions. ClinVar contains an entry for this variant (Variation ID: 1353860). Experimental studies and prediction algorithms are not available or were not evaluated, and the functional significance of this variant is currently unknown. In summary, the available evidence is currently insufficient to determine the role of this variant in disease. Therefore, it has been classified as a Variant of Uncertain Significance.

NM_020207.7(ERCC6L2):c.4442T>G (p.Ile1481Ser)

Gene: ERCC6L2 (ERCC excision repair 6 like 2; plus strand). Cytogenetic location: 9q22.32.
Variant type: single nucleotide variant.
Coding change: c.4442T>G on transcript NM_020207.7 (MANE Select); coding-DNA position 4442, T replaced by G.
Protein change: p.Ile1481Ser; replaces isoleucine 1481 with serine.
Molecular consequence: missense variant. On other transcripts: non-coding transcript variant (1), intron variant (2).
Genome position (GRCh38, 1-based): chr9:96,012,992, T>G. VCF-style: chr9-96012992-T-G. GRCh37 (hg19) VCF-style: chr9-98775274-T-G.
Other names: c.3674+8291T>G (NM_001375291.1, NM_001375292.1); short protein forms I1481S.
Identifiers: ClinVar variation 1353860 (VCV001353860.6), dbSNP rs190491189, ClinGen allele CA5140107.